The following is an entry in ClinVar:

ClinVar aggregate classification (germline): Uncertain significance (1 of 4 stars; one submission).

Conditions:
Spastic paraplegia. Identifiers: MedGen C0037772, HP:0001258.

Allele frequency attached by ClinVar (database versions not stated): ExAC 0.00001.

Submission:

Labcorp Genetics (formerly Invitae), Labcorp
Classification: Uncertain significance for Spastic paraplegia. Last evaluated: 2022-07-28. Review status: criteria provided, single submitter. Criteria: Invitae Variant Classification Sherloc (09022015). Collection method: clinical testing. Allele origin: germline.
Comment: This sequence change replaces isoleucine, which is neutral and non-polar, with threonine, which is neutral and polar, at codon 427 of the ZFYVE26 protein (p.Ile427Thr). This variant is present in population databases (rs761878099, gnomAD 0.0009%). This variant has not been reported in the literature in individuals affected with ZFYVE26-related conditions. Algorithms developed to predict the effect of missense changes on protein structure and function (SIFT, PolyPhen-2, Align-GVGD) all suggest that this variant is likely to be disruptive. In summary, the available evidence is currently insufficient to determine the role of this variant in disease. Therefore, it has been classified as a Variant of Uncertain Significance.

NM_015346.4(ZFYVE26):c.1280T>C (p.Ile427Thr)

Gene: ZFYVE26 (zinc finger FYVE-type containing 26; minus strand). Cytogenetic location: 14q24.1.
Variant type: single nucleotide variant.
Coding change: c.1280T>C on transcript NM_015346.4 (MANE Select); coding-DNA position 1280, T replaced by C.
Protein change: p.Ile427Thr; replaces isoleucine 427 with threonine.
Molecular consequence: missense variant.
Genome position (GRCh38, 1-based): chr14:67,804,256, A>G on the plus strand (T>C on the coding strand, the complement: ZFYVE26 is on the minus strand). VCF-style: chr14-67804256-A-G. GRCh37 (hg19) VCF-style: chr14-68270973-A-G.
Other names: short protein forms I427T.
Identifiers: ClinVar variation 2155509 (VCV002155509.1), dbSNP rs761878099, ClinGen allele CA7240559.